The following is an entry in ClinVar:

ClinVar aggregate classification (germline): Conflicting classifications of pathogenicity. Review status: criteria provided, conflicting classifications (1 of 4 stars). 2 submissions from 2 submitters: Likely pathogenic (1); Uncertain significance (1). Last evaluated 2025-11-16.

Conditions:
Nemaline myopathy. Also called: Myopathies, Nemaline. Identifiers: Orphanet 607, MedGen C0206157, MONDO:0018958.
Nemaline myopathy 2 (NEM2). Also called: Nemaline myopathy 2, autosomal recessive. Identifiers: MedGen C1850569, MONDO:0009725, OMIM 256030.

Allele frequency attached by ClinVar (database versions not stated): gnomAD exomes below 0.00001.
gnomAD v4.1: 1 of 1,545,236 alleles (0.000065%); highest among the groups gnomAD compares: East Asian, 0.0023%; no homozygotes.

Submissions (2):

Labcorp Genetics (formerly Invitae), Labcorp
Classification: Likely pathogenic for Nemaline myopathy 2. Last evaluated: 2025-11-16. Review status: criteria provided, single submitter. Criteria: Invitae Variant Classification Sherloc (09022015). Collection method: clinical testing. Allele origin: germline.
Comment: This sequence change affects an acceptor splice site in intron 45 of the NEB gene. It is expected to disrupt RNA splicing. Variants that disrupt the donor or acceptor splice site typically lead to a loss of protein function (PMID: 16199547), and loss-of-function variants in NEB are known to be pathogenic (PMID: 25205138). This variant is not present in population databases (gnomAD no frequency). This variant has not been reported in the literature in individuals affected with NEB-related conditions. ClinVar contains an entry for this variant (Variation ID: 2103151). Algorithms developed to predict the effect of sequence changes on RNA splicing suggest that this variant may disrupt the consensus splice site. In summary, the currently available evidence indicates that the variant is pathogenic, but additional data are needed to prove that conclusively. Therefore, this variant has been classified as Likely Pathogenic.

Broad Center for Mendelian Genomics, Broad Institute of MIT and Harvard
Classification: Uncertain significance for Nemaline myopathy. Last evaluated: 2025-03-18. Review status: criteria provided, single submitter. Criteria: ACMG Guidelines, 2015. Collection method: curation. Allele origin: germline. Inheritance: Autosomal recessive inheritance.
Comment: The c.5764-2A>G variant in NEB has been not been previously reported in individuals with nemaline myopathy, but has been identified in 0.002% (1/44122) of East Asian chromosomes by the Genome Aggregation Database (gnomAD). Although this variant has been seen in the general population in a heterozygous state, its frequency is low enough to be consistent with a recessive carrier frequency. This variant has also been reported in ClinVar (Variation ID: 2103151) and has been interpreted as likely pathogenic by Invitae. This variant is located in the 3' splice region. Computational tools predict a splicing impact, though this information is not predictive enough to determine pathogenicity. There is an in-frame cryptic splice site 6 bases from the intron-exon boundary, providing evidence that this variant may add 2 amino acids instead of causing loss of function. However, this information is not predictive enough to determine pathogenicity. Loss of function of the NEB gene is an established disease mechanism in autosomal recessive nemaline myopathy. In summary, while there is some suspicion for a pathogenic role, the clinical significance of this variant is uncertain. ACMG/AMP Criteria applied: PVS1_moderate, PM2_supporting (Richards 2015).

Literature cited by the submitters: PubMed 16199547 (cited by Labcorp Genetics (formerly Invitae), Labcorp); PubMed 25205138 (cited by Labcorp Genetics (formerly Invitae), Labcorp).

NM_001164508.2(NEB):c.5764-2A>G

Gene: NEB (nebulin; minus strand). Cytogenetic location: 2q23.3.
Variant type: single nucleotide variant.
Coding change: c.5764-2A>G on transcript NM_001164508.2 (MANE Select); the canonical splice acceptor site of the intron before coding-DNA position 5764, A replaced by G.
Molecular consequence: splice acceptor variant.
Genome position (GRCh38, 1-based): chr2:151,662,343, T>C on the plus strand (A>G on the coding strand, the complement: NEB is on the minus strand). VCF-style: chr2-151662343-T-C. GRCh37 (hg19) VCF-style: chr2-152518857-T-C.
Other names: c.5764-2A>G (NM_004543.5, NM_001164507.2, NM_001271208.2).
Identifiers: ClinVar variation 2103151 (VCV002103151.5), dbSNP rs2552255626, ClinGen allele CA348806881.